The following is an entry in ClinVar:

ClinVar aggregate classification (germline): Uncertain significance. Review status: criteria provided, multiple submitters, no conflicts (2 of 4 stars). 2 submissions from 2 submitters: Uncertain significance (2). Last evaluated 2025-05-04.

Allele frequency attached by ClinVar (database versions not stated): ExAC 0.00001; TOPMed 0.00001; gnomAD exomes 0.00002.

Submissions (2):

Labcorp Genetics (formerly Invitae), Labcorp
Classification: Uncertain significance. Last evaluated: 2025-05-04. Review status: criteria provided, single submitter. Criteria: Invitae Variant Classification Sherloc (09022015). Collection method: clinical testing. Allele origin: germline.
Comment: This sequence change replaces proline, which is neutral and non-polar, with leucine, which is neutral and non-polar, at codon 294 of the RNF113A protein (p.Pro294Leu). This variant is present in population databases (rs758621682, gnomAD 0.002%). This variant has not been reported in the literature in individuals affected with RNF113A-related conditions. ClinVar contains an entry for this variant (Variation ID: 3154949). Invitae Evidence Modeling of protein sequence and biophysical properties (such as structural, functional, and spatial information, amino acid conservation, physicochemical variation, residue mobility, and thermodynamic stability) indicates that this missense variant is not expected to disrupt RNF113A protein function with a negative predictive value of 80%. In summary, the available evidence is currently insufficient to determine the role of this variant in disease. Therefore, it has been classified as a Variant of Uncertain Significance.

Ambry Genetics
Classification: Uncertain significance. Last evaluated: 2023-12-06. Review status: criteria provided, single submitter. Criteria: Ambry Variant Classification Scheme 2023. Collection method: clinical testing. Allele origin: germline.

NM_006978.3(RNF113A):c.881C>T (p.Pro294Leu)

Gene: RNF113A (ring finger protein 113A; minus strand). Cytogenetic location: Xq24.
Variant type: single nucleotide variant.
Coding change: c.881C>T on transcript NM_006978.3 (MANE Select); coding-DNA position 881, C replaced by T.
Protein change: p.Pro294Leu; replaces proline 294 with leucine.
Molecular consequence: missense variant.
Genome position (GRCh38, 1-based): chrX:119,870,733, G>A on the plus strand (C>T on the coding strand, the complement: RNF113A is on the minus strand). VCF-style: chrX-119870733-G-A. GRCh37 (hg19) VCF-style: chrX-119004696-G-A.
Other names: short protein forms P294L.
Identifiers: ClinVar variation 3154949 (VCV003154949.2), dbSNP rs758621682, ClinGen allele CA10503430.
Genomic context (GRCh38, chrX:119,870,733, plus strand): 5'-ATCAATTCTTTCGCTGGATTGAAGACGCCATTGGTCTGCTGGTCACAGACATAGCAGCGC[G>A]GGGTGGTGCGGAAATGCTGCAGTGCACAGCTCTCGCAGAAATAATGCCTGCACTTGGTGA-3'
Protein context (NP_008909.1, residues 284-304): SCALQHFRTT[Pro294Leu]RCYVCDQQTN